The following is an entry in ClinVar:

ClinVar aggregate classification (germline): Uncertain significance (1 of 4 stars; one submission).

gnomAD v4.1: 2 of 1,576,998 alleles (0.00013%); highest among the groups gnomAD compares: Middle Eastern, 0.034%; no homozygotes.

Submission:

Labcorp Genetics (formerly Invitae), Labcorp
Classification: Uncertain significance. Last evaluated: 2025-05-12. Review status: criteria provided, single submitter. Criteria: Invitae Variant Classification Sherloc (09022015). Collection method: clinical testing. Allele origin: germline.
Comment: This sequence change replaces tyrosine, which is neutral and polar, with histidine, which is basic and polar, at codon 425 of the TNNI3K protein (p.Tyr425His). This variant is not present in population databases (gnomAD no frequency). This variant has not been reported in the literature in individuals affected with TNNI3K-related conditions. Invitae Evidence Modeling of protein sequence and biophysical properties (such as structural, functional, and spatial information, amino acid conservation, physicochemical variation, residue mobility, and thermodynamic stability) indicates that this missense variant is not expected to disrupt TNNI3K protein function with a negative predictive value of 80%. In summary, the available evidence is currently insufficient to determine the role of this variant in disease. Therefore, it has been classified as a Variant of Uncertain Significance.

NM_015978.3(TNNI3K):c.1273T>C (p.Tyr425His)

Genes: FPGT-TNNI3K (FPGT-TNNI3K readthrough; plus strand), TNNI3K (TNNI3 interacting kinase; plus strand). Cytogenetic location: 1p31.1.
Variant type: single nucleotide variant.
Coding change: c.1273T>C on transcript NM_015978.3 (MANE Select); coding-DNA position 1273, T replaced by C.
Protein change: p.Tyr425His; replaces tyrosine 425 with histidine.
Molecular consequence: missense variant.
Genome position (GRCh38, 1-based): chr1:74,367,916, T>C. VCF-style: chr1-74367916-T-C. GRCh37 (hg19) VCF-style: chr1-74833600-T-C.
Other names: c.1576T>C, p.Tyr526His (NM_001112808.3, NM_001199327.2); short protein forms Y425H, Y526H.
Identifiers: ClinVar variation 4808752 (VCV004808752.1).